The following is an entry in ClinVar:

NM_000719.7(CACNA1C):c.2429C>T (p.Thr810Met)

Gene: CACNA1C (calcium voltage-gated channel subunit alpha1 C; plus strand). Cytogenetic location: 12p13.33.
Variant type: single nucleotide variant.
Coding change: c.2429C>T on transcript NM_000719.7 (MANE Select); coding-DNA position 2429, C replaced by T.
Protein change: p.Thr810Met; replaces threonine 810 with methionine.
Molecular consequence: missense variant.
Genome position (GRCh38, 1-based): chr12:2,585,465, C>T. VCF-style: chr12-2585465-C-T. GRCh37 (hg19) VCF-style: chr12-2694631-C-T.
Other names: c.2429C>T, p.Thr810Met (NM_001129827.2, NM_001129829.2, NM_001129830.3 and 18 more transcripts); c.2420C>T, p.Thr807Met (NM_001129844.2); short protein forms T807M, T810M.
Identifiers: ClinVar variation 1408901 (VCV001408901.11), dbSNP rs772235214, ClinGen allele CA6388964.

ClinVar aggregate classification (germline): Uncertain significance. Review status: criteria provided, multiple submitters, no conflicts (2 of 4 stars). 4 submissions from 4 submitters: Uncertain significance (4). Last evaluated 2026-03-03.

Conditions:
Brugada syndrome 3 (BRGDA3). Identifiers: Orphanet 130, MedGen C2678478, MONDO:0012742, OMIM 611875.
Long QT syndrome 8. Identifiers: MedGen CN260585, MONDO:0032756, OMIM 618447.
Timothy syndrome (TS). Also called: LONG QT SYNDROME WITH SYNDACTYLY. Identifiers: Orphanet 65283, MedGen C1832916, MeSH C536962, MONDO:0010979, OMIM 601005.
Long QT syndrome (LQTS). Identifiers: MedGen C0023976, MeSH D008133, MONDO:0002442. Disease mechanism: loss of function. Inheritance: Various modes of inheritance.
CACNA1C-related disorder. Also called: CACNA1C-related disorders; CACNA1C-related condition. Identifiers: MedGen CN381092, MONDO:0700321.
Cardiovascular phenotype. Identifiers: MedGen CN230736.

Allele frequency attached by ClinVar (database versions not stated): ExAC 0.00002; gnomAD exomes 0.00002; TOPMed 0.00002; gnomAD 0.00004.
gnomAD v4.1: 32 of 1,578,618 alleles (0.002%); highest among the groups gnomAD compares: Middle Eastern, 0.017%; no homozygotes.

Submissions (4):

PreventionGenetics, part of Exact Sciences
Classification: Uncertain significance for CACNA1C-related condition. Last evaluated: 2026-03-03. Review status: criteria provided, single submitter. Criteria: ACMG Guidelines, 2015. Collection method: clinical testing. Allele origin: germline.
Comment: The CACNA1C c.2429C>T variant is predicted to result in the amino acid substitution p.Thr810Met. To our knowledge, this variant has not been reported in the literature. This variant is reported in 0.0050% of alleles in individuals of African descent in gnomAD. At this time, the clinical significance of this variant is uncertain due to the absence of conclusive functional and genetic evidence.

Labcorp Genetics (formerly Invitae), Labcorp
Classification: Uncertain significance for Long QT syndrome. Last evaluated: 2024-11-18. Review status: criteria provided, single submitter. Criteria: Invitae Variant Classification Sherloc (09022015). Collection method: clinical testing. Allele origin: germline.
Comment: This sequence change replaces threonine, which is neutral and polar, with methionine, which is neutral and non-polar, at codon 810 of the CACNA1C protein (p.Thr810Met). The frequency data for this variant in the population databases is considered unreliable, as metrics indicate poor data quality at this position in the gnomAD database. This variant has not been reported in the literature in individuals affected with CACNA1C-related conditions. ClinVar contains an entry for this variant (Variation ID: 1408901). Invitae Evidence Modeling of protein sequence and biophysical properties (such as structural, functional, and spatial information, amino acid conservation, physicochemical variation, residue mobility, and thermodynamic stability) indicates that this missense variant is not expected to disrupt CACNA1C protein function with a negative predictive value of 95%. In summary, the available evidence is currently insufficient to determine the role of this variant in disease. Therefore, it has been classified as a Variant of Uncertain Significance.

Fulgent Genetics
Classification: Uncertain significance for Timothy syndrome; Brugada syndrome 3; Long QT syndrome 8. Last evaluated: 2021-11-17. Review status: criteria provided, single submitter. Criteria: ACMG Guidelines, 2015. Collection method: clinical testing. Allele origin: unknown.

Ambry Genetics
Classification: Uncertain significance for Cardiovascular phenotype. Last evaluated: 2021-06-14. Review status: criteria provided, single submitter. Criteria: Ambry Variant Classification Scheme 2023. Collection method: clinical testing. Allele origin: germline.
Comment: The p.T810M variant (also known as c.2429C>T), located in coding exon 17 of the CACNA1C gene, results from a C to T substitution at nucleotide position 2429. The threonine at codon 810 is replaced by methionine, an amino acid with similar properties. This amino acid position is conserved. In addition, this alteration is predicted to be deleterious by in silico analysis. Since supporting evidence is limited at this time, the clinical significance of this alteration remains unclear.